The following is an entry in ClinVar:

ClinVar aggregate classification (germline): Benign/Likely benign. Review status: criteria provided, multiple submitters, no conflicts (2 of 4 stars). 13 submissions from 12 submitters: Benign (8); Likely benign (5). Last evaluated 2026-09-21.

Conditions:
Familial thoracic aortic aneurysm and aortic dissection (TAAD). Also called: Thoracic aortic aneurysms and dissections. Identifiers: Orphanet 91387, MedGen C4707243, MONDO:0019625.
Lissencephaly 4 (LIS4). Also called: Lissencephaly 4 (with microcephaly). Identifiers: Orphanet 1083, MedGen C3151461, MONDO:0013527, OMIM 614019.
Aortic aneurysm, familial thoracic 4 (AAT4). Also called: AORTIC ANEURYSM/AORTIC DISSECTION AND PATENT DUCTUS ARTERIOSUS. Identifiers: MedGen C1851504, MONDO:0007568, OMIM 132900.

Allele frequency attached by ClinVar (database versions not stated): gnomAD exomes 0.00028 and 0.00077; ExAC 0.00099; ESP Exome Variant Server 0.00262; gnomAD 0.00295 and 0.00312; TOPMed 0.00323; 1000 Genomes Project 0.00419; 1000 Genomes Project 30x 0.00515.
gnomAD v4.1: 880 of 1,614,004 alleles (0.055%); highest among the groups gnomAD compares: African/African-American, 0.95%; 5 homozygotes.

Submissions (13):

Molecular Diagnostic Laboratory for Inherited Cardiovascular Disease, Montreal Heart Institute
Classification: Benign. Last evaluated: 2026-09-21. Review status: criteria provided, single submitter. Criteria: ACMG Guidelines, 2015. Collection method: clinical testing. Allele origin: germline. Affected: no.
Comment: BP7

CeGaT Center for Human Genetics Tuebingen
Classification: Likely benign. Last evaluated: 2026-09-01. Review status: criteria provided, single submitter. Criteria: CeGaT Center For Human Genetics Tuebingen Variant Classification Criteria Version 2. Collection method: clinical testing. Allele origin: germline. Affected: yes. Observed: 5 variant alleles.
Comment: MYH11: BP4, BP7

Labcorp Genetics (formerly Invitae), Labcorp
Classification: Benign for Aortic aneurysm, familial thoracic 4. Last evaluated: 2026-01-28. Review status: criteria provided, single submitter. Criteria: Invitae Variant Classification Sherloc (09022015). Collection method: clinical testing. Allele origin: germline.

Blueprint Genetics
Classification: Likely benign. Last evaluated: 2024-10-17. Review status: criteria provided, single submitter. Criteria: ACMG Guidelines, 2015. Collection method: clinical testing. Allele origin: germline.

Color Diagnostics, LLC DBA Color Health
Classification: Benign for Familial thoracic aortic aneurysm and aortic dissection. Last evaluated: 2018-11-27. Review status: criteria provided, single submitter. Criteria: ACMG Guidelines, 2015. Collection method: clinical testing. Allele origin: germline.

Women's Health and Genetics/Laboratory Corporation of America, LabCorp
Classification: Benign. Last evaluated: 2018-11-23. Review status: criteria provided, single submitter. Criteria: LabCorp Variant Classification Summary - May 2015. Collection method: clinical testing. Allele origin: germline.
Comment: Variant summary: MYH11 c.5778C>T alters a non-conserved nucleotide resulting in a synonymous change. Several computational tools predict a significant impact on normal splicing: Three predict the variant creates a 5' donor site. However, these predictions have yet to be confirmed by functional studies. The variant allele was found at a frequency of 0.001 in 120994 control chromosomes in the ExAC database, including 1 homozygote. The observed variant frequency is approximately 800 fold of the estimated maximal expected allele frequency for a pathogenic variant in MYH11 causing Aortopathy phenotype (1.3e-06), strongly suggesting that the variant is benign. To our knowledge, no occurrence of c.5778C>T in individuals affected with Aortopathy and no experimental evidence demonstrating its impact on protein function have been reported. Three clinical diagnostic laboratories have submitted clinical-significance assessments for this variant to ClinVar after 2014 without evidence for independent evaluation (2x benign, 1x VUS). Based on the evidence outlined above, the variant was classified as benign.

ARUP Laboratories, Molecular Genetics and Genomics, ARUP Laboratories
Classification: Benign for Aortic aneurysm, familial thoracic 4. Last evaluated: 2018-08-12. Review status: criteria provided, single submitter. Criteria: ARUP Molecular Germline Variant Investigation Process. Collection method: clinical testing. Allele origin: germline.

Illumina Laboratory Services, Illumina
Classification: Likely benign for Lissencephaly 4. Last evaluated: 2018-01-13. Review status: criteria provided, single submitter. Criteria: ICSL Variant Classification Criteria 13 December 2019. Collection method: clinical testing. Allele origin: germline.
Comment: This variant was observed in the ICSL laboratory as part of a predisposition screen in an ostensibly healthy population. It had not been previously curated by ICSL or reported in the Human Gene Mutation Database (HGMD: prior to June 1st, 2018), and was therefore a candidate for classification through an automated scoring system. Utilizing variant allele frequency, disease prevalence and penetrance estimates, and inheritance mode, an automated score was calculated to assess if this variant is too frequent to cause the disease. Based on the score and internal cut-off values, a variant classified as likely benign is not then subjected to further curation. The score for this variant resulted in a classification of likely benign for this disease.

Illumina Laboratory Services, Illumina
Classification: Likely benign for Aortic aneurysm, familial thoracic 4. Last evaluated: 2018-01-12. Review status: criteria provided, single submitter. Criteria: ICSL Variant Classification Criteria 13 December 2019. Collection method: clinical testing. Allele origin: germline.
Comment: the same text as in the submission from Illumina Laboratory Services, Illumina above.

CHEO Genetics Diagnostic Laboratory, Children's Hospital of Eastern Ontario
Classification: Benign for Familial thoracic aortic aneurysm and aortic dissection. Last evaluated: 2016-07-04. Review status: criteria provided, single submitter. Criteria: ACMG Guidelines, 2015. Collection method: clinical testing. Allele origin: germline. Study: Canadian Open Genetics Repository.

Ambry Genetics
Classification: Benign for Familial thoracic aortic aneurysm and aortic dissection. Last evaluated: 2015-07-07. Review status: criteria provided, single submitter. Criteria: Ambry Variant Classification Scheme 2023. Collection method: clinical testing. Allele origin: germline.

GeneDx
Classification: Benign. Last evaluated: 2014-03-07. Review status: criteria provided, single submitter. Criteria: GeneDx Variant Classification (06012015). Collection method: clinical testing. Allele origin: germline. Affected: yes.
Comment: This variant is considered likely benign or benign based on one or more of the following criteria: it is a conservative change, it occurs at a poorly conserved position in the protein, it is predicted to be benign by multiple in silico algorithms, and/or has population frequency not consistent with disease.

Breakthrough Genomics
Classification: Likely benign. Review status: criteria provided, single submitter. Criteria: ACMG Guidelines, 2015. Collection method: not provided. Allele origin: germline. Inheritance: Autosomal recessive inheritance. Affected: yes.

NM_002474.3(MYH11):c.5757C>T (p.Arg1919=)

Genes: MYH11 (myosin heavy chain 11; minus strand), NDE1 (nudE neurodevelopment protein 1; plus strand). Cytogenetic location: 16p13.11.
Variant type: single nucleotide variant.
Coding change: c.5757C>T on transcript NM_002474.3 (MANE Select); coding-DNA position 5757, C replaced by T.
Protein change: p.Arg1919=; no amino-acid change (arginine 1919 retained).
Molecular consequence: synonymous variant. On other transcripts: intron variant (2).
Genome position (GRCh38, 1-based): chr16:15,714,938, G>A on the plus strand (C>T on the coding strand, the complement: MYH11 is on the minus strand). VCF-style: chr16-15714938-G-A. GRCh37 (hg19) VCF-style: chr16-15808795-G-A.
Other names: p.R1919R:CGC>CGT; c.5778C>T, p.Arg1926= (NM_001040113.2, NM_001040114.2); c.5757C>T, p.Arg1919= (NM_022844.3); c.948-9253G>A (NM_001143979.2, NM_017668.3).
Identifiers: ClinVar variation 138360 (VCV000138360.53), dbSNP rs138168272, ClinGen allele CA292338.